The following is an entry in ClinVar:

NM_001366145.2(TRPM3):c.3797C>T (p.Ala1266Val)

Genes: KLF9-DT (KLF9 divergent transcript; plus strand), TRPM3 (transient receptor potential cation channel subfamily M member 3; minus strand). Cytogenetic location: 9q21.12.
Variant type: single nucleotide variant.
Coding change: c.3797C>T on transcript NM_001366145.2 (MANE Select); coding-DNA position 3797, C replaced by T.
Protein change: p.Ala1266Val; replaces alanine 1266 with valine.
Molecular consequence: missense variant.
Genome position (GRCh38, 1-based): chr9:70,537,316, G>A on the plus strand (C>T on the coding strand, the complement: TRPM3 is on the minus strand). VCF-style: chr9-70537316-G-A. GRCh37 (hg19) VCF-style: chr9-73152232-G-A.
Other names: c.3761C>T, p.Ala1254Val (NM_001007471.4, NM_001366151.2); c.3767C>T, p.Ala1256Val (NM_001366141.2, NM_001366143.2, NM_001366149.2); c.3803C>T, p.Ala1268Val (NM_001366142.2); c.3797C>T, p.Ala1266Val (NM_001366146.2); c.3872C>T, p.Ala1291Val (NM_001366147.2, NM_001366152.2); c.3842C>T, p.Ala1281Val (NM_001366148.2); c.3731C>T, p.Ala1244Val (NM_001366150.2); c.3338C>T, p.Ala1113Val (NM_001366154.2, NM_024971.7); and 5 more; short protein forms A1101V, A1103V, A1113V, A1126V, A1268V, A1091V, A1116V, A1254V.
Identifiers: ClinVar variation 2246039 (VCV002246039.28), dbSNP rs374070652, ClinGen allele CA5077959.

ClinVar aggregate classification (germline): Conflicting classifications of pathogenicity. Review status: criteria provided, conflicting classifications (1 of 4 stars). 3 submissions from 3 submitters: Uncertain significance (1); Likely benign (2). Last evaluated 2025-08-27.

Conditions:
Inborn genetic diseases. Identifiers: MedGen C0950123, MeSH D030342.

Allele frequency attached by ClinVar (database versions not stated): ExAC 0.00004; TOPMed 0.00004; gnomAD 0.00005; ESP Exome Variant Server 0.00015.
gnomAD v4.1: 56 of 1,527,392 alleles (0.0037%); highest among the groups gnomAD compares: Non-Finnish European, 0.0043%; no homozygotes.

Submissions (3):

Ambry Genetics
Classification: Uncertain significance for Inborn genetic diseases. Last evaluated: 2025-08-27. Review status: criteria provided, single submitter. Criteria: Ambry Variant Classification Scheme 2023. Collection method: clinical testing. Allele origin: germline.

Laboratory of Genetics, Children's Clinical University Hospital Latvia
Classification: Likely benign. Last evaluated: 2025-02-16. Review status: criteria provided, single submitter. Criteria: ACMG Guidelines, 2015. Collection method: clinical testing. Allele origin: germline. Affected: yes.

CeGaT Center for Human Genetics Tuebingen
Classification: Likely benign. Last evaluated: 2023-03-01. Review status: criteria provided, single submitter. Criteria: CeGaT Center For Human Genetics Tuebingen Variant Classification Criteria Version 2. Collection method: clinical testing. Allele origin: germline. Affected: yes. Observed: 1 variant allele.
Comment: TRPM3: PP2, BP4, BS2